The following is an entry in ClinVar:

ClinVar aggregate classification (germline): Benign. Review status: criteria provided, multiple submitters, no conflicts (2 of 4 stars). 2 submissions from 2 submitters: Benign (2). Last evaluated 2018-06-19.

Allele frequency attached by ClinVar (database versions not stated): gnomAD exomes 0.01497; 1000 Genomes Project 0.03155; 1000 Genomes Project 30x 0.03170; gnomAD 0.03347 and 0.03528; TOPMed 0.03761.
gnomAD v4.1: 26,860 of 1,587,236 alleles (1.7%); highest among the groups gnomAD compares: African/African-American, 9.2%; 537 homozygotes.

Submissions (2):

GeneDx
Classification: Benign. Last evaluated: 2018-06-19. Review status: criteria provided, single submitter. Criteria: GeneDx Variant Classification (06012015). Collection method: clinical testing. Allele origin: germline. Affected: yes.
Comment: This variant is considered likely benign or benign based on one or more of the following criteria: it is a conservative change, it occurs at a poorly conserved position in the protein, it is predicted to be benign by multiple in silico algorithms, and/or has population frequency not consistent with disease.

Breakthrough Genomics
Classification: Benign. Review status: criteria provided, single submitter. Criteria: ACMG Guidelines, 2015. Collection method: not provided. Allele origin: germline. Inheritance: Autosomal recessive inheritance. Affected: yes.

NM_004369.4(COL6A3):c.3680-107T>C

Gene: COL6A3 (collagen type VI alpha 3 chain; minus strand). Cytogenetic location: 2q37.3.
Variant type: single nucleotide variant.
Coding change: c.3680-107T>C on transcript NM_004369.4 (MANE Select); 107 bases into the intron before coding-DNA position 3680, T replaced by C.
Molecular consequence: intron variant.
Genome position (GRCh38, 1-based): chr2:237,372,444, A>G on the plus strand (T>C on the coding strand, the complement: COL6A3 is on the minus strand). VCF-style: chr2-237372444-A-G. GRCh37 (hg19) VCF-style: chr2-238281087-A-G.
Other names: c.1859-107T>C (NM_057166.5); c.3062-107T>C (NM_057167.4, NM_057165.5); c.2459-107T>C (NM_057164.5).
Identifiers: ClinVar variation 680253 (VCV000680253.2), dbSNP rs78380978, ClinGen allele CA67819680.